The following is an entry in ClinVar:

ClinVar aggregate classification (germline): Uncertain significance (1 of 4 stars; one submission).

gnomAD v4.1: 1 of 1,613,068 alleles (0.000062%); highest among the groups gnomAD compares: Non-Finnish European, 0.000085%; no homozygotes.

Submission:

Labcorp Genetics (formerly Invitae), Labcorp
Classification: Uncertain significance. Last evaluated: 2025-02-17. Review status: criteria provided, single submitter. Criteria: Invitae Variant Classification Sherloc (09022015). Collection method: clinical testing. Allele origin: germline.
Comment: This sequence change replaces glycine, which is neutral and non-polar, with alanine, which is neutral and non-polar, at codon 1719 of the COL11A2 protein (p.Gly1719Ala). This variant is not present in population databases (gnomAD no frequency). This variant has not been reported in the literature in individuals affected with COL11A2-related conditions. Invitae Evidence Modeling of protein sequence and biophysical properties (such as structural, functional, and spatial information, amino acid conservation, physicochemical variation, residue mobility, and thermodynamic stability) indicates that this missense variant is not expected to disrupt COL11A2 protein function with a negative predictive value of 80%. In summary, the available evidence is currently insufficient to determine the role of this variant in disease. Therefore, it has been classified as a Variant of Uncertain Significance.

NM_080680.3(COL11A2):c.5156G>C (p.Gly1719Ala)

Gene: COL11A2 (collagen type XI alpha 2 chain; minus strand). Cytogenetic location: 6p21.32.
Variant type: single nucleotide variant.
Coding change: c.5156G>C on transcript NM_080680.3 (MANE Select); coding-DNA position 5156, G replaced by C.
Protein change: p.Gly1719Ala; replaces glycine 1719 with alanine.
Molecular consequence: missense variant.
Genome position (GRCh38, 1-based): chr6:33,163,733, C>G on the plus strand (G>C on the coding strand, the complement: COL11A2 is on the minus strand). VCF-style: chr6-33163733-C-G. GRCh37 (hg19) VCF-style: chr6-33131510-C-G.
Other names: c.4976G>C, p.Gly1659Ala (NM_001424108.1); c.4310G>C, p.Gly1437Ala (NM_001424109.1); c.4130G>C, p.Gly1377Ala (NM_001424110.1, NM_001424111.1); c.3110G>C, p.Gly1037Ala (NM_001424112.1); c.4835G>C, p.Gly1612Ala (NM_080679.3); c.4898G>C, p.Gly1633Ala (NM_080681.3); short protein forms G1037A, G1377A, G1437A, G1612A, G1633A, G1659A, G1719A.
Identifiers: ClinVar variation 4806343 (VCV004806343.1).
Genomic context (GRCh38, chr6:33,163,733, plus strand): 5'-CGGTCCTATCCCATGAAGCAGACAGGCCCCAGCAGCACCCCTCCCCGCCTCGGTGGGGCT[C>G]CCAGGTCTGAGAAGGAGGCATCCAGCACTGGCAGCTGCTCCAGCACAGGCGTTCGCACCT-3'
Protein context (NP_542411.2, residues 1709-1729): PVLDASFSDL[Gly1719Ala]APPRRGGVLL